The following is an entry in ClinVar:

ClinVar aggregate classification (germline): Likely pathogenic (1 of 4 stars; one submission).

Submission:

GeneDx
Classification: Likely pathogenic. Last evaluated: 2025-08-04. Review status: criteria provided, single submitter. Criteria: GeneDx Variant Classification Process June 2021. Collection method: clinical testing. Allele origin: germline. Affected: yes.
Comment: Alters the last nucleotide of the exon and is predicted to destroy the splice donor site and result in aberrant splicing, although in the absence of functional evidence the actual effect of this sequence change is unknown; Not observed at significant frequency in large population cohorts (gnomAD); Has not been previously published as pathogenic or benign to our knowledge

NM_014712.3(SETD1A):c.869G>T (p.Ser290Ile)

Gene: SETD1A (SET domain containing 1A, histone lysine methyltransferase; plus strand). Cytogenetic location: 16p11.2.
Variant type: single nucleotide variant.
Coding change: c.869G>T on transcript NM_014712.3 (MANE Select); coding-DNA position 869, G replaced by T.
Protein change: p.Ser290Ile; replaces serine 290 with isoleucine.
Molecular consequence: missense variant.
Genome position (GRCh38, 1-based): chr16:30,964,323, G>T. VCF-style: chr16-30964323-G-T. GRCh37 (hg19) VCF-style: chr16-30975644-G-T.
Other names: short protein forms S290I.
Identifiers: ClinVar variation 4755737 (VCV004755737.1).